The following is an entry in ClinVar:

ClinVar aggregate classification (germline): Likely benign. Review status: criteria provided, multiple submitters, no conflicts (2 of 4 stars). 2 submissions from 2 submitters: Likely benign (2). Last evaluated 2025-07-14.

Conditions:
Rubinstein-Taybi syndrome due to EP300 haploinsufficiency. Also called: EP300-Related Rubinstein-Taybi Syndrome; RUBINSTEIN-TAYBI SYNDROME 2. Identifiers: Orphanet 353284, Orphanet 783, MedGen C3150941, MONDO:0013364, OMIM 613684.
EP300-related disorder. Also called: EP300-related condition; EP300-related disorders.

Allele frequency attached by ClinVar (database versions not stated): gnomAD exomes 0.00001; ExAC 0.00002.
gnomAD v4.1: 14 of 1,614,222 alleles (0.00087%); highest among the groups gnomAD compares: Admixed American, 0.015%; no homozygotes.

Submissions (2):

Labcorp Genetics (formerly Invitae), Labcorp
Classification: Likely benign for Rubinstein-Taybi syndrome due to EP300 haploinsufficiency. Last evaluated: 2025-07-14. Review status: criteria provided, single submitter. Criteria: Invitae Variant Classification Sherloc (09022015). Collection method: clinical testing. Allele origin: germline.

PreventionGenetics, part of Exact Sciences
Classification: Likely benign for EP300-related condition. Last evaluated: 2024-11-15. Review status: criteria provided, single submitter. Criteria: ACMG Guidelines, 2015. Collection method: clinical testing. Allele origin: germline.
Comment: This variant is classified as likely benign based on ACMG/AMP sequence variant interpretation guidelines (Richards et al. 2015 PMID: 25741868, with internal and published modifications).

NM_001429.4(EP300):c.4842T>C (p.Asp1614=)

Gene: EP300 (EP300 lysine acetyltransferase; plus strand). Cytogenetic location: 22q13.2.
Variant type: single nucleotide variant.
Coding change: c.4842T>C on transcript NM_001429.4 (MANE Select); coding-DNA position 4842, T replaced by C.
Protein change: p.Asp1614=; no amino-acid change (aspartic acid 1614 retained).
Molecular consequence: synonymous variant.
Genome position (GRCh38, 1-based): chr22:41,176,309, T>C. VCF-style: chr22-41176309-T-C. GRCh37 (hg19) VCF-style: chr22-41572313-T-C.
Other names: c.4764T>C, p.Asp1588= (NM_001362843.2).
Identifiers: ClinVar variation 790953 (VCV000790953.14), dbSNP rs755816596, ClinGen allele CA10253538.
Genomic context (GRCh38, chr22:41,176,309, plus strand): 5'-CTTCTTTGTGATCCGCCTCATTGCTGGCCCTGCTGCCAACTCCCTGCCTCCCATTGTTGA[T>C]CCTGATCCTCTCATCCCCTGCGATCTGATGGATGGTCGGGATGCGTTTCTCACGCTGGCA-3'
Protein context (NP_001420.2, residues 1604-1624): PAANSLPPIV[Asp1614=]PDPLIPCDLM